The following is an entry in ClinVar:

NM_015466.4(PTPN23):c.4826A>G (p.His1609Arg)

Gene: PTPN23 (protein tyrosine phosphatase non-receptor type 23; plus strand). Cytogenetic location: 3p21.31.
Variant type: single nucleotide variant.
Coding change: c.4826A>G on transcript NM_015466.4 (MANE Select); coding-DNA position 4826, A replaced by G.
Protein change: p.His1609Arg; replaces histidine 1609 with arginine.
Molecular consequence: missense variant.
Genome position (GRCh38, 1-based): chr3:47,413,100, A>G. VCF-style: chr3-47413100-A-G. GRCh37 (hg19) VCF-style: chr3-47454590-A-G.
Other names: c.4448A>G, p.His1483Arg (NM_001304482.2); short protein forms H1483R, H1609R.
Identifiers: ClinVar variation 1438476 (VCV001438476.4), dbSNP rs541395924, ClinGen allele CA2366720.

ClinVar aggregate classification (germline): Uncertain significance (1 of 4 stars; one submission).

Allele frequency attached by ClinVar (database versions not stated): gnomAD 0.00001; TOPMed 0.00002; gnomAD exomes 0.00003 and 0.00006; ExAC 0.00005; 1000 Genomes Project 30x 0.00031; 1000 Genomes Project 0.00040.
gnomAD v4.1: 50 of 1,612,904 alleles (0.0031%); highest among the groups gnomAD compares: East Asian, 0.08%; no homozygotes.

Submission:

Labcorp Genetics (formerly Invitae), Labcorp
Classification: Uncertain significance. Last evaluated: 2022-07-05. Review status: criteria provided, single submitter. Criteria: Invitae Variant Classification Sherloc (09022015). Collection method: clinical testing. Allele origin: germline.
Comment: This sequence change replaces histidine, which is basic and polar, with arginine, which is basic and polar, at codon 1609 of the PTPN23 protein (p.His1609Arg). This variant is present in population databases (rs541395924, gnomAD 0.07%). This variant has not been reported in the literature in individuals affected with PTPN23-related conditions. ClinVar contains an entry for this variant (Variation ID: 1438476). Algorithms developed to predict the effect of missense changes on protein structure and function are either unavailable or do not agree on the potential impact of this missense change (SIFT: "Tolerated"; PolyPhen-2: "Not Available"; Align-GVGD: "Class C0"). Algorithms developed to predict the effect of sequence changes on RNA splicing suggest that this variant may create or strengthen a splice site. In summary, the available evidence is currently insufficient to determine the role of this variant in disease. Therefore, it has been classified as a Variant of Uncertain Significance.